The following is an entry in ClinVar:

ClinVar aggregate classification (germline): Likely benign. Review status: criteria provided, multiple submitters, no conflicts (2 of 4 stars). 4 submissions from 4 submitters: Likely benign (3). 1 of the submissions does not count toward it. Last evaluated 2025-01-21.

Conditions:
VWF-related disorder. Also called: VWF-related condition; VWF-related disorders.

Allele frequency attached by ClinVar (database versions not stated): ESP Exome Variant Server 0.00008.

Submissions (4):

ARUP Laboratories, Molecular Genetics and Genomics, ARUP Laboratories
Classification: Likely benign. Last evaluated: 2025-01-21. Review status: criteria provided, single submitter. Criteria: ARUP Molecular Germline Variant Investigation Process 2024. Collection method: clinical testing. Allele origin: germline.

Blueprint Genetics
Classification: Likely benign. Last evaluated: 2023-12-05. Review status: criteria provided, single submitter. Criteria: ACMG Guidelines, 2015. Collection method: clinical testing. Allele origin: germline.

Women's Health and Genetics/Laboratory Corporation of America, LabCorp
Classification: Likely benign. Last evaluated: 2023-10-11. Review status: criteria provided, single submitter. Criteria: LabCorp Variant Classification Summary - May 2015. Collection method: clinical testing. Allele origin: germline.

PreventionGenetics, part of Exact Sciences
Classification: Likely benign for VWF-related condition. Last evaluated: 2024-05-17. Review status: no assertion criteria provided. Collection method: clinical testing. Allele origin: germline. Not counted in ClinVar's aggregate classification.
Comment: This variant is classified as likely benign based on ACMG/AMP sequence variant interpretation guidelines (Richards et al. 2015 PMID: 25741868, with internal and published modifications).

NM_000552.5(VWF):c.1848G>C (p.Ser616=)

Gene: VWF (von Willebrand factor; minus strand). Cytogenetic location: 12p13.31.
Variant type: single nucleotide variant.
Coding change: c.1848G>C on transcript NM_000552.5 (MANE Select); coding-DNA position 1848, G replaced by C.
Protein change: p.Ser616=; no amino-acid change (serine 616 retained).
Molecular consequence: synonymous variant.
Genome position (GRCh38, 1-based): chr12:6,056,954, C>G on the plus strand (G>C on the coding strand, the complement: VWF is on the minus strand). VCF-style: chr12-6056954-C-G. GRCh37 (hg19) VCF-style: chr12-6166120-C-G.
Other names: c.1848G>C (NM_000552.4).
Identifiers: ClinVar variation 2637665 (VCV002637665.4), dbSNP rs372835093, ClinGen allele CA6403248.